The following is an entry in ClinVar:

NM_012096.3(APPL1):c.813T>C (p.Phe271=)

Gene: APPL1 (adaptor protein, phosphotyrosine interacting with PH domain and leucine zipper 1; plus strand). Cytogenetic location: 3p14.3.
Variant type: single nucleotide variant.
Coding change: c.813T>C on transcript NM_012096.3 (MANE Select); coding-DNA position 813, T replaced by C.
Protein change: p.Phe271=; no amino-acid change (phenylalanine 271 retained).
Molecular consequence: synonymous variant.
Genome position (GRCh38, 1-based): chr3:57,248,301, T>C. VCF-style: chr3-57248301-T-C. GRCh37 (hg19) VCF-style: chr3-57282329-T-C.
Identifiers: ClinVar variation 3036859 (VCV003036859.2), dbSNP rs149863724, ClinGen allele CA2463626.
Genomic context (GRCh38, chr3:57,248,301, plus strand): 5'-AGAGGATTTGGAAGTAGCCAGTGATCCCTTATATGTGCCTGACCCAGACCCCACCAAATT[T>C]CCTGTTAATCGAAATTTAACCCGAAAGGCTGGATACCTTAATGCTAGGAAGTAAGAAAAC-3'
Protein context (NP_036228.1, residues 261-281): LYVPDPDPTK[Phe271=]PVNRNLTRKA

ClinVar aggregate classification (germline): Likely benign (0 of 4 stars; one submission).

Conditions:
APPL1-related disorder. Also called: APPL1-related condition.

Allele frequency attached by ClinVar (database versions not stated): gnomAD exomes below 0.00001; ExAC 0.00002; gnomAD 0.00007; ESP Exome Variant Server 0.00008; TOPMed 0.00009.
gnomAD v4.1: 15 of 1,614,004 alleles (0.00093%); highest among the groups gnomAD compares: African/African-American, 0.017%; no homozygotes.

Submission:

PreventionGenetics, part of Exact Sciences
Classification: Likely benign for APPL1-related condition. Last evaluated: 2020-12-22. Review status: no assertion criteria provided. Collection method: clinical testing. Allele origin: germline.
Comment: This variant is classified as likely benign based on ACMG/AMP sequence variant interpretation guidelines (Richards et al. 2015 PMID: 25741868, with internal and published modifications).